The following is an entry in ClinVar:

ClinVar aggregate classification (germline): Conflicting classifications of pathogenicity. Review status: criteria provided, conflicting classifications (1 of 4 stars). 2 submissions from 2 submitters: Uncertain significance (1); Likely benign (1). Last evaluated 2025-01-01.

Conditions:
Autosomal dominant Parkinson disease 8. Also called: LRRK2-Related Parkinson Disease; Parkinson disease 8; Parkinson disease 8, susceptibility to. Identifiers: Orphanet 411602, MedGen C1846862, MONDO:0011764, OMIM 607060.

gnomAD v4.1: 25 of 1,610,582 alleles (0.0016%); highest among the groups gnomAD compares: Non-Finnish European, 0.002%; no homozygotes.

Submissions (2):

CeGaT Center for Human Genetics Tuebingen
Classification: Likely benign. Last evaluated: 2025-01-01. Review status: criteria provided, single submitter. Criteria: CeGaT Center For Human Genetics Tuebingen Variant Classification Criteria Version 2. Collection method: clinical testing. Allele origin: germline. Affected: yes. Observed: 1 variant allele.
Comment: LRRK2: BP4

Labcorp Genetics (formerly Invitae), Labcorp
Classification: Uncertain significance for Autosomal dominant Parkinson disease 8. Last evaluated: 2024-02-02. Review status: criteria provided, single submitter. Criteria: Invitae Variant Classification Sherloc (09022015). Collection method: clinical testing. Allele origin: germline.
Comment: This sequence change falls in intron 47 of the LRRK2 gene. It does not directly change the encoded amino acid sequence of the LRRK2 protein. It affects a nucleotide within the consensus splice site. The frequency data for this variant in the population databases is considered unreliable, as metrics indicate poor data quality at this position in the gnomAD database. This variant has not been reported in the literature in individuals affected with LRRK2-related conditions. Variants that disrupt the consensus splice site are a relatively common cause of aberrant splicing (PMID: 17576681, 9536098). Algorithms developed to predict the effect of sequence changes on RNA splicing suggest that this variant is not likely to affect RNA splicing. In summary, the available evidence is currently insufficient to determine the role of this variant in disease. Therefore, it has been classified as a Variant of Uncertain Significance.

Literature cited by the submitters: PubMed 17576681 (cited by Labcorp Genetics (formerly Invitae), Labcorp); PubMed 9536098 (cited by Labcorp Genetics (formerly Invitae), Labcorp).

NM_198578.4(LRRK2):c.7029-3T>C

Gene: LRRK2 (leucine rich repeat kinase 2; plus strand). Cytogenetic location: 12q12.
Variant type: single nucleotide variant.
Coding change: c.7029-3T>C on transcript NM_198578.4 (MANE Select); 3 bases into the intron before coding-DNA position 7029, T replaced by C.
Molecular consequence: intron variant.
Genome position (GRCh38, 1-based): chr12:40,363,399, T>C. VCF-style: chr12-40363399-T-C. GRCh37 (hg19) VCF-style: chr12-40757201-T-C.
Identifiers: ClinVar variation 3730118 (VCV003730118.15).